The following is an entry in ClinVar:

ClinVar aggregate classification (germline): Conflicting classifications of pathogenicity. Review status: criteria provided, conflicting classifications (1 of 4 stars). 6 submissions from 6 submitters: Uncertain significance (1); Benign (2); Likely benign (3). Last evaluated 2026-01-05.

Conditions:
Charcot-Marie-Tooth disease type 4. Also called: Charcot-Marie-Tooth disease, type IV; Charcot-Marie-Tooth, Type 4. Identifiers: Orphanet 64749, MedGen C4082197, MONDO:0018995.
Charcot-Marie-Tooth disease. Also called: Charcot-Marie-Tooth Hereditary Neuropathy; Charcot-Marie-Tooth Neuropathy. Identifiers: Orphanet 166, MedGen C0007959, MONDO:0015626.
Charcot-Marie-Tooth disease type 4F. Also called: Charcot-Marie-Tooth disease, demyelinating, type 4F. Identifiers: Orphanet 99952, MedGen C3540453, MONDO:0013959, OMIM 614895.

Allele frequency attached by ClinVar (database versions not stated): gnomAD exomes 0.00082; ExAC 0.00124; ESP Exome Variant Server 0.00216; gnomAD 0.00313 and 0.00332; TOPMed 0.00350; 1000 Genomes Project 30x 0.00437; 1000 Genomes Project 0.00459.
gnomAD v4.1: 976 of 1,606,650 alleles (0.061%); highest among the groups gnomAD compares: African/African-American, 1.1%; 6 homozygotes.

Submissions (6):

Labcorp Genetics (formerly Invitae), Labcorp
Classification: Benign for Charcot-Marie-Tooth disease type 4. Last evaluated: 2026-01-05. Review status: criteria provided, single submitter. Criteria: Invitae Variant Classification Sherloc (09022015). Collection method: clinical testing. Allele origin: germline.

CeGaT Center for Human Genetics Tuebingen
Classification: Likely benign. Last evaluated: 2025-09-01. Review status: criteria provided, single submitter. Criteria: CeGaT Center For Human Genetics Tuebingen Variant Classification Criteria Version 2. Collection method: clinical testing. Allele origin: germline. Affected: yes. Observed: 1 variant allele.
Comment: PRX: BP4, BS1

Blueprint Genetics
Classification: Likely benign. Last evaluated: 2024-11-14. Review status: criteria provided, single submitter. Criteria: ACMG Guidelines, 2015. Collection method: clinical testing. Allele origin: germline.

GeneDx
Classification: Benign. Last evaluated: 2020-03-13. Review status: criteria provided, single submitter. Criteria: GeneDx Variant Classification Process June 2021. Collection method: clinical testing. Allele origin: germline. Affected: yes.

Illumina Laboratory Services, Illumina
Classification: Uncertain significance for Charcot-Marie-Tooth disease type 4F. Last evaluated: 2017-04-27. Review status: criteria provided, single submitter. Criteria: ICSL Variant Classification Criteria 13 December 2019. Collection method: clinical testing. Allele origin: germline.

Molecular Genetics Laboratory, London Health Sciences Centre
Classification: Likely benign for Charcot-Marie-Tooth disease. Review status: criteria provided, single submitter. Criteria: ACMG Guidelines, 2015. Collection method: clinical testing. Allele origin: germline. Affected: yes.

NM_181882.3(PRX):c.3802G>C (p.Ala1268Pro)

Gene: PRX (periaxin; minus strand). Cytogenetic location: 19q13.2.
Variant type: single nucleotide variant.
Coding change: c.3802G>C on transcript NM_181882.3 (MANE Select); coding-DNA position 3802, G replaced by C.
Protein change: p.Ala1268Pro; replaces alanine 1268 with proline.
Molecular consequence: missense variant. On other transcripts: 3 prime UTR variant (1).
Genome position (GRCh38, 1-based): chr19:40,394,550, C>G on the plus strand (G>C on the coding strand, the complement: PRX is on the minus strand). VCF-style: chr19-40394550-C-G. GRCh37 (hg19) VCF-style: chr19-40900457-C-G.
Other names: c.*4007G>C (NM_020956.2); short protein forms A1268P.
Identifiers: ClinVar variation 382637 (VCV000382637.27), dbSNP rs146061247, ClinGen allele CA9443783.